The following is an entry in ClinVar:

NM_003924.4(PHOX2B):c.718G>T (p.Gly240Cys)

Gene: PHOX2B (paired like homeobox 2B; minus strand). Cytogenetic location: 4p13.
Variant type: single nucleotide variant.
Coding change: c.718G>T on transcript NM_003924.4 (MANE Select); coding-DNA position 718, G replaced by T.
Protein change: p.Gly240Cys; replaces glycine 240 with cysteine.
Molecular consequence: missense variant.
Genome position (GRCh38, 1-based): chr4:41,746,034, C>A on the plus strand (G>T on the coding strand, the complement: PHOX2B is on the minus strand). VCF-style: chr4-41746034-C-A. GRCh37 (hg19) VCF-style: chr4-41748051-C-A.
Other names: short protein forms G240C.
Identifiers: ClinVar variation 834908 (VCV000834908.12), dbSNP rs1183113572, ClinGen allele CA356737280.

ClinVar aggregate classification (germline): Uncertain significance. Review status: criteria provided, multiple submitters, no conflicts (2 of 4 stars). 2 submissions from 2 submitters: Uncertain significance (2). Last evaluated 2020-10-19.

Conditions:
Hereditary cancer-predisposing syndrome. Also called: Hereditary neoplastic syndrome; Neoplastic Syndromes, Hereditary; Tumor predisposition; Hereditary Cancer Syndrome. Identifiers: Orphanet 140162, MedGen C0027672, MeSH D009386, MONDO:0015356.
Haddad syndrome (OHD). Also called: Ondine-Hirschsprung disease. Identifiers: Orphanet 99803, MedGen C1859049, MONDO:0020493.

Submissions (2):

Ambry Genetics
Classification: Uncertain significance for Hereditary cancer-predisposing syndrome. Last evaluated: 2020-10-19. Review status: criteria provided, single submitter. Criteria: Ambry Variant Classification Scheme 2023. Collection method: clinical testing. Allele origin: germline.
Comment: The p.G240C variant (also known as c.718G>T), located in coding exon 3 of the PHOX2B gene, results from a G to T substitution at nucleotide position 718. The glycine at codon 240 is replaced by cysteine, an amino acid with highly dissimilar properties. This amino acid position is well conserved in available vertebrate species. In addition, this alteration is predicted to be tolerated by in silico analysis. Since supporting evidence is limited at this time, the clinical significance of this alteration remains unclear.

Labcorp Genetics (formerly Invitae), Labcorp
Classification: Uncertain significance for Haddad syndrome. Last evaluated: 2020-10-19. Review status: criteria provided, single submitter. Criteria: Invitae Variant Classification Sherloc (09022015). Collection method: clinical testing. Allele origin: germline.
Comment: In summary, the available evidence is currently insufficient to determine the role of this variant in disease. Therefore, it has been classified as a Variant of Uncertain Significance. Algorithms developed to predict the effect of missense changes on protein structure and function are either unavailable or do not agree on the potential impact of this missense change (SIFT: "Tolerated"; PolyPhen-2: "Not Available"; Align-GVGD: "Class C0"). This variant has not been reported in the literature in individuals with PHOX2B-related conditions. The frequency data for this variant in the population databases is considered unreliable, as metrics indicate insufficient coverage at this position in the ExAC database. This sequence change replaces glycine with cysteine at codon 240 of the PHOX2B protein (p.Gly240Cys). The glycine residue is moderately conserved and there is a large physicochemical difference between glycine and cysteine.